The following is an entry in ClinVar:

NM_013444.4(UBQLN2):c.69G>A (p.Ser23=)

Gene: UBQLN2 (ubiquilin 2; plus strand). Cytogenetic location: Xp11.21.
Variant type: single nucleotide variant.
Coding change: c.69G>A on transcript NM_013444.4 (MANE Select); coding-DNA position 69, G replaced by A.
Protein change: p.Ser23=; no amino-acid change (serine 23 retained).
Molecular consequence: synonymous variant.
Genome position (GRCh38, 1-based): chrX:56,563,942, G>A. VCF-style: chrX-56563942-G-A. GRCh37 (hg19) VCF-style: chrX-56590375-G-A.
Identifiers: ClinVar variation 2883380 (VCV002883380.3), dbSNP rs759914775, ClinGen allele CA516700459.

ClinVar aggregate classification (germline): Uncertain significance (1 of 4 stars; one submission).

Conditions:
Amyotrophic lateral sclerosis type 15. Also called: AMYOTROPHIC LATERAL SCLEROSIS 15 WITH FRONTOTEMPORAL DEMENTIA. Identifiers: Orphanet 803, MedGen C3275459, MONDO:0010459, OMIM 300857.

Allele frequency attached by ClinVar (database versions not stated): gnomAD 0.00003.
gnomAD v4.1: 8 of 1,159,682 alleles (0.00069%); highest among the groups gnomAD compares: Admixed American, 0.018%; no homozygotes.

Submission:

Labcorp Genetics (formerly Invitae), Labcorp
Classification: Uncertain significance for Amyotrophic lateral sclerosis type 15. Last evaluated: 2025-12-25. Review status: criteria provided, single submitter. Criteria: Invitae Variant Classification Sherloc (09022015). Collection method: clinical testing. Allele origin: germline.
Comment: This sequence change affects codon 23 of the UBQLN2 mRNA. It is a 'silent' change, meaning that it does not change the encoded amino acid sequence of the UBQLN2 protein. This variant is not present in population databases (gnomAD no frequency). This variant has not been reported in the literature in individuals affected with UBQLN2-related conditions. ClinVar contains an entry for this variant (Variation ID: 2883380). In summary, the available evidence is currently insufficient to determine the role of this variant in disease. Therefore, it has been classified as a Variant of Uncertain Significance.